The following is an entry in ClinVar:

NM_001005361.3(DNM2):c.1196+729T>G

Gene: DNM2 (dynamin 2; plus strand). Cytogenetic location: 19p13.2.
Variant type: single nucleotide variant.
Coding change: c.1196+729T>G on transcript NM_001005361.3 (MANE Select); 729 bases into the intron after coding-DNA position 1196, T replaced by G.
Molecular consequence: intron variant. On other transcripts: missense variant (3).
Genome position (GRCh38, 1-based): chr19:10,796,168, T>G. VCF-style: chr19-10796168-T-G. GRCh37 (hg19) VCF-style: chr19-10906844-T-G.
Other names: c.1304T>G, p.Leu435Arg (NM_001005360.3, NM_001190716.2, NM_004945.4); c.1196+729T>G (NM_001005362.3); short protein forms L435R.
Identifiers: ClinVar variation 533828 (VCV000533828.8), dbSNP rs1555710681, ClinGen allele CA404049017.

ClinVar aggregate classification (germline): Uncertain significance (1 of 4 stars; one submission).

Conditions:
Charcot-Marie-Tooth disease dominant intermediate B (CMTDIB). Also called: CHARCOT-MARIE-TOOTH NEUROPATHY, DOMINANT INTERMEDIATE B; Charcot-Marie-Tooth disease dominant intermediate 1; CMT DI1; Charcot-Marie-Tooth disease dominant intermediate I. Identifiers: Orphanet 100044, Orphanet 228179, MedGen C1847902, MONDO:0011674, OMIM 606482.

Submission:

Labcorp Genetics (formerly Invitae), Labcorp
Classification: Uncertain significance for Charcot-Marie-Tooth disease dominant intermediate B. Last evaluated: 2017-12-08. Review status: criteria provided, single submitter. Criteria: Invitae Variant Classification Sherloc (09022015). Collection method: clinical testing. Allele origin: germline.
Comment: In summary, the available evidence is currently insufficient to determine the role of this variant in disease. Therefore, it has been classified as a Variant of Uncertain Significance. Algorithms developed to predict the effect of missense changes on protein structure and function (SIFT, PolyPhen-2, Align-GVGD) all suggest that this variant is likely to be disruptive, but these predictions have not been confirmed by published functional studies and their clinical significance is uncertain. This variant has not been reported in the literature in individuals with DNM2-related disease. This variant is not present in population databases (ExAC no frequency). This sequence change replaces leucine with arginine at codon 435 of the DNM2 protein (p.Leu435Arg). The leucine residue is highly conserved and there is a moderate physicochemical difference between leucine and arginine.